The following is an entry in ClinVar:

ClinVar aggregate classification (germline): Uncertain significance (1 of 4 stars; one submission).

Conditions:
TTN-related disorder. Also called: TTN-related condition; TTN-related disease; TTN-related disorders.

Submission:

Daryl Scott Lab, Baylor College of Medicine
Classification: Uncertain significance for TTN-related disorder. Last evaluated: 2024-01-01. Review status: criteria provided, single submitter. Criteria: ACMG Guidelines, 2015. Collection method: clinical testing. Allele origin: paternal. Observed: 1 heterozygote.
Comment: PM2

NM_001267550.2(TTN):c.31384C>T (p.Pro10462Ser)

Gene: TTN (titin; minus strand). Cytogenetic location: 2q31.2.
Variant type: single nucleotide variant.
Coding change: c.31384C>T on transcript NM_001267550.2 (MANE Select); coding-DNA position 31384, C replaced by T.
Protein change: p.Pro10462Ser; replaces proline 10462 with serine.
Molecular consequence: missense variant. On other transcripts: intron variant (3).
Genome position (GRCh38, 1-based): chr2:178,694,641, G>A on the plus strand (C>T on the coding strand, the complement: TTN is on the minus strand). VCF-style: chr2-178694641-G-A. GRCh37 (hg19) VCF-style: chr2-179559368-G-A.
Other names: c.30433C>T, p.Pro10145Ser (NM_001256850.1); c.27652C>T, p.Pro9218Ser (NM_133378.4); c.13282+43441C>T (NM_003319.4); c.13858+43441C>T (NM_133437.4); c.13657+43441C>T (NM_133432.3); short protein forms P10145S, P10462S, P9218S.
Identifiers: ClinVar variation 3764557 (VCV003764557.1).